The following is an entry in ClinVar:

NM_001110219.3(GJB6):c.572T>C (p.Phe191Ser)

Gene: GJB6 (gap junction protein beta 6; minus strand). Cytogenetic location: 13q12.11.
Variant type: single nucleotide variant.
Coding change: c.572T>C on transcript NM_001110219.3 (MANE Select); coding-DNA position 572, T replaced by C.
Protein change: p.Phe191Ser; replaces phenylalanine 191 with serine.
Molecular consequence: missense variant.
Genome position (GRCh38, 1-based): chr13:20,222,909, A>G on the plus strand (T>C on the coding strand, the complement: GJB6 is on the minus strand). VCF-style: chr13-20222909-A-G. GRCh37 (hg19) VCF-style: chr13-20797048-A-G.
Other names: c.572T>C, p.Phe191Ser (NM_001110220.3, NM_001110221.3, NM_001370090.1 and 3 more transcripts); short protein forms F191S.
Identifiers: ClinVar variation 4885774 (VCV004885774.2).

ClinVar aggregate classification (germline): Uncertain significance (1 of 4 stars; one submission).

Submission:

Dasa
Classification: Uncertain significance. Last evaluated: 2024-06-26. Review status: criteria provided, single submitter. Criteria: DASA Assertion Criteria. Collection method: clinical testing. Allele origin: germline.
Comment: NM_001110219.3(GJB6):c.572T>C (p.Phe191Ser) is a missense variant that results in the substitution of phenylalanine with serine. This variant is rare in population databases. Computational prediction algorithms are consistent with a deleterious effect. The currently available literature and clinical evidence are not sufficient to establish a definitive association between this variant and the reported condition. Therefore, this variant is classified as a variant of uncertain significance.